The following is an entry in ClinVar:

NM_001232.4(CASQ2):c.839-253G>A

Gene: CASQ2 (calsequestrin 2; minus strand). Cytogenetic location: 1p13.1.
Variant type: single nucleotide variant.
Coding change: c.839-253G>A on transcript NM_001232.4 (MANE Select); 253 bases into the intron before coding-DNA position 839, G replaced by A.
Molecular consequence: intron variant.
Genome position (GRCh38, 1-based): chr1:115,705,545, C>T on the plus strand (G>A on the coding strand, the complement: CASQ2 is on the minus strand). VCF-style: chr1-115705545-C-T. GRCh37 (hg19) VCF-style: chr1-116248166-C-T.
Identifiers: ClinVar variation 672769 (VCV000672769.1), dbSNP rs114396832, ClinGen allele CA29614986.

ClinVar aggregate classification (germline): Likely benign (1 of 4 stars; one submission).

Allele frequency attached by ClinVar (database versions not stated): 1000 Genomes Project 0.00679; TOPMed 0.00415; 1000 Genomes Project 30x 0.00765.
gnomAD v4.1: 690 of 152,346 alleles (0.45%); highest among the groups gnomAD compares: African/African-American, 1.4%; 2 homozygotes.

Submission:

GeneDx
Classification: Likely benign. Last evaluated: 2018-06-14. Review status: criteria provided, single submitter. Criteria: GeneDx Variant Classification (06012015). Collection method: clinical testing. Allele origin: germline. Affected: yes.
Comment: This variant is considered likely benign or benign based on one or more of the following criteria: it is a conservative change, it occurs at a poorly conserved position in the protein, it is predicted to be benign by multiple in silico algorithms, and/or has population frequency not consistent with disease.